The following is an entry in ClinVar:

NM_001040108.2(MLH3):c.150C>A (p.Phe50Leu)

Gene: MLH3 (mutL homolog 3; minus strand). Cytogenetic location: 14q24.3.
Variant type: single nucleotide variant.
Coding change: c.150C>A on transcript NM_001040108.2 (MANE Select); coding-DNA position 150, C replaced by A.
Protein change: p.Phe50Leu; replaces phenylalanine 50 with leucine.
Molecular consequence: missense variant.
Genome position (GRCh38, 1-based): chr14:75,049,506, G>T on the plus strand (C>A on the coding strand, the complement: MLH3 is on the minus strand). VCF-style: chr14-75049506-G-T. GRCh37 (hg19) VCF-style: chr14-75516209-G-T.
Other names: c.150C>A, p.Phe50Leu (NM_014381.3); short protein forms F50L.
Identifiers: ClinVar variation 3873493 (VCV003873493.1).

ClinVar aggregate classification (germline): Uncertain significance (1 of 4 stars; one submission).

gnomAD v4.1: 1 of 1,613,994 alleles (0.000062%); highest among the groups gnomAD compares: African/African-American, 0.0013%; no homozygotes.

Submission:

Ambry Genetics
Classification: Uncertain significance. Last evaluated: 2025-01-13. Review status: criteria provided, single submitter. Criteria: Ambry Variant Classification Scheme 2023. Collection method: clinical testing. Allele origin: germline.
Comment: The p.F50L variant (also known as c.150C>A), located in coding exon 1 of the MLH3 gene, results from a C to A substitution at nucleotide position 150. The phenylalanine at codon 50 is replaced by leucine, an amino acid with highly similar properties. This amino acid position is conserved. In addition, this alteration is predicted to be tolerated by in silico analysis. Based on the available evidence, the clinical significance of this variant remains unclear.